The following is an entry in ClinVar:

ClinVar aggregate classification (germline): Likely benign. Review status: criteria provided, multiple submitters, no conflicts (2 of 4 stars). 5 submissions from 5 submitters: Likely benign (5). Last evaluated 2026-06-01.

Conditions:
Cardiovascular phenotype. Identifiers: MedGen CN230736.
Arrhythmogenic right ventricular cardiomyopathy (ARVD). Also called: Arrhythmogenic cardiomyopathy; Arrhythmogenic Right Ventricular Cardiomyopathy (ARVC); Cardiomyopathy, ARVC; Arrhythmogenic right ventricular dysplasia. Identifiers: Orphanet 247, MedGen C0349788, MeSH D019571, MONDO:0016587. Disease mechanism: loss of function. Inheritance: Various modes of inheritance.
Cardiomyopathy (CMYO). Also called: Cardiomyopathies. Identifiers: Orphanet 167848, MedGen C0878544, MONDO:0004994, HP:0001638. Inheritance: Various modes of inheritance.
Arrhythmogenic right ventricular dysplasia 10. Also called: Arrhythmogenic right ventricular dysplasia/cardiomyopathy, type 10; Arrhythmogenic Right Ventricular Dysplasia/Cardiomyopathy10; ARRHYTHMOGENIC RIGHT VENTRICULAR DYSPLASIA, FAMILIAL, 10. Identifiers: MedGen C1857777, MONDO:0012434, OMIM 610193.

Allele frequency attached by ClinVar (database versions not stated): gnomAD 0.00001; gnomAD exomes 0.00002 and 0.00005; ExAC 0.00003; TOPMed 0.00004.

Submissions (5):

CeGaT Center for Human Genetics Tuebingen
Classification: Likely benign. Last evaluated: 2026-06-01. Review status: criteria provided, single submitter. Criteria: CeGaT Center For Human Genetics Tuebingen Variant Classification Criteria Version 2. Collection method: clinical testing. Allele origin: germline. Affected: yes. Observed: 2 variant alleles.
Comment: DSG2: BP4

Labcorp Genetics (formerly Invitae), Labcorp
Classification: Likely benign for Arrhythmogenic right ventricular dysplasia 10. Last evaluated: 2025-05-13. Review status: criteria provided, single submitter. Criteria: Invitae Variant Classification Sherloc (09022015). Collection method: clinical testing. Allele origin: germline.

All of Us Research Program, National Institutes of Health
Classification: Likely benign for Arrhythmogenic right ventricular cardiomyopathy. Last evaluated: 2024-07-10. Review status: criteria provided, single submitter. Criteria: ACMG Guidelines, 2015. Collection method: clinical testing. Allele origin: germline. Inheritance: Autosomal dominant inheritance. Observed: 5 variant alleles, 5 heterozygotes.
Comment: This study involves interpretation of variants in research participants for the purpose of population health screening. Participant phenotype was not available at the time of variant classification. Additional details can be found in publication PMID: 35346344, PMCID: PMC8962531

Ambry Genetics
Classification: Likely benign for Cardiovascular phenotype. Last evaluated: 2022-11-27. Review status: criteria provided, single submitter. Criteria: Ambry Variant Classification Scheme 2023. Collection method: clinical testing. Allele origin: germline.

Color Diagnostics, LLC DBA Color Health
Classification: Likely benign for Cardiomyopathy. Last evaluated: 2019-09-16. Review status: criteria provided, single submitter. Criteria: ACMG Guidelines, 2015. Collection method: clinical testing. Allele origin: germline.

NM_001943.5(DSG2):c.795C>G (p.Val265=)

Gene: DSG2 (desmoglein 2; plus strand). Cytogenetic location: 18q12.1.
Variant type: single nucleotide variant.
Coding change: c.795C>G on transcript NM_001943.5 (MANE Select); coding-DNA position 795, C replaced by G.
Protein change: p.Val265=; no amino-acid change (valine 265 retained).
Molecular consequence: synonymous variant.
Genome position (GRCh38, 1-based): chr18:31,524,552, C>G. VCF-style: chr18-31524552-C-G. GRCh37 (hg19) VCF-style: chr18-29104515-C-G.
Other names: c.795C>G (LRG_397t1).
Identifiers: ClinVar variation 416114 (VCV000416114.22), dbSNP rs771324254, ClinGen allele CA049923.
Genomic context (GRCh38, chr18:31,524,552, plus strand): 5'-TGGAGAAGTTACAGACAAACCTGTAAAACAAGCTCAAGTTCAGATTCGTATTTTGGATGT[C>G]AATGACAATATACCTGTAGTAGAAAATAAAGTGGTAACTATTATTCTTCTAATAACTGTA-3'
Protein context (NP_001934.2, residues 255-275): QAQVQIRILD[Val265=]NDNIPVVENK